The following is an entry in ClinVar:

NM_014714.4(IFT140):c.302C>T (p.Thr101Ile)

Genes: IFT140 (intraflagellar transport 140; minus strand), LOC105371046 (uncharacterized LOC105371046; plus strand). Cytogenetic location: 16p13.3.
Variant type: single nucleotide variant.
Coding change: c.302C>T on transcript NM_014714.4 (MANE Select); coding-DNA position 302, C replaced by T.
Protein change: p.Thr101Ile; replaces threonine 101 with isoleucine.
Molecular consequence: missense variant.
Genome position (GRCh38, 1-based): chr16:1,602,437, G>A on the plus strand (C>T on the coding strand, the complement: IFT140 is on the minus strand). VCF-style: chr16-1602437-G-A. GRCh37 (hg19) VCF-style: chr16-1652438-G-A.
Other names: c.302C>T (NM_014714.3); short protein forms T101I.
Identifiers: ClinVar variation 1983669 (VCV001983669.4), dbSNP rs1410736613, ClinGen allele CA394223058.

ClinVar aggregate classification (germline): Uncertain significance. Review status: criteria provided, multiple submitters, no conflicts (2 of 4 stars). 2 submissions from 2 submitters: Uncertain significance (2). Last evaluated 2023-10-20.

Conditions:
Saldino-Mainzer syndrome (SRTD9). Also called: Renal dysplasia, retinal pigmentary dystrophy, cerebellar ataxia and skeletal dysplasia; CONORENAL SYNDROME; short-rib thoracic dysplasia 9 with or without polydactyly; SHORT-RIB THORACIC DYSPLASIA 9 WITHOUT POLYDACTYLY. Identifiers: Orphanet 140969, MedGen C1849437, MONDO:0009964, OMIM 266920.
Inborn genetic diseases. Identifiers: MedGen C0950123, MeSH D030342.

Allele frequency attached by ClinVar (database versions not stated): gnomAD exomes 0.00001; gnomAD 0.00002.
gnomAD v4.1: 8 of 1,614,112 alleles (0.0005%); highest among the groups gnomAD compares: Non-Finnish European, 0.00051%; no homozygotes.

Submissions (2):

Ambry Genetics
Classification: Uncertain significance for Inborn genetic diseases. Last evaluated: 2023-10-20. Review status: criteria provided, single submitter. Criteria: Ambry Variant Classification Scheme 2023. Collection method: clinical testing. Allele origin: germline.

Labcorp Genetics (formerly Invitae), Labcorp
Classification: Uncertain significance for Saldino-Mainzer syndrome. Last evaluated: 2022-07-03. Review status: criteria provided, single submitter. Criteria: Invitae Variant Classification Sherloc (09022015). Collection method: clinical testing. Allele origin: germline.
Comment: This sequence change replaces threonine, which is neutral and polar, with isoleucine, which is neutral and non-polar, at codon 101 of the IFT140 protein (p.Thr101Ile). This variant is present in population databases (no rsID available, gnomAD 0.004%). This variant has not been reported in the literature in individuals affected with IFT140-related conditions. Algorithms developed to predict the effect of missense changes on protein structure and function (SIFT, PolyPhen-2, Align-GVGD) all suggest that this variant is likely to be tolerated. In summary, the available evidence is currently insufficient to determine the role of this variant in disease. Therefore, it has been classified as a Variant of Uncertain Significance.